The following is an entry in ClinVar:

ClinVar aggregate classification (germline): Uncertain significance (1 of 4 stars; one submission).

Conditions:
Inborn genetic diseases. Identifiers: MedGen C0950123, MeSH D030342.
Renpenning syndrome. Also called: MENTAL RETARDATION, X-LINKED 55; MENTAL RETARDATION, X-LINKED, SYNDROMIC 8; GOLABI-ITO-HALL SYNDROME; SUTHERLAND-HAAN X-LINKED MENTAL RETARDATION SYNDROME; Mental retardation, X-linked Renpenning type; X-linked mental retardation with spastic diplegia. Identifiers: Orphanet 3242, MedGen C0796135, MONDO:0010653, OMIM 309500.

Submission:

Ambry Genetics
Classification: Uncertain significance for Inborn genetic diseases. Last evaluated: 2018-03-19. Review status: criteria provided, single submitter. Criteria: Ambry exome assertion method (8-5-2015). Collection method: clinical testing. Allele origin: germline. Affected: yes. Observed: 1 variant allele.

NM_001032382.2(PQBP1):c.376A>T (p.Arg126Trp)

Gene: PQBP1 (polyglutamine binding protein 1; plus strand). Cytogenetic location: Xp11.23.
Variant type: single nucleotide variant.
Coding change: c.376A>T on transcript NM_001032382.2 (MANE Select); coding-DNA position 376, A replaced by T.
Protein change: p.Arg126Trp; replaces arginine 126 with tryptophan.
Molecular consequence: missense variant. On other transcripts: intron variant (2).
Genome position (GRCh38, 1-based): chrX:48,902,316, A>T. VCF-style: chrX-48902316-A-T. GRCh37 (hg19) VCF-style: chrX-48759593-A-T.
Other names: c.376A>T, p.Arg126Trp (NM_001032381.2, NM_001032383.2, NM_001032384.1 and 2 more transcripts); c.352A>T, p.Arg118Trp (NM_001167990.2); c.292+274A>T (NM_144495.3); c.202-126A>T (NM_001167992.1); short protein forms R118W, R126W.
Identifiers: ClinVar variation 986233 (VCV000986233.4), dbSNP rs28372358, ClinGen allele CA412889710.
Genomic context (GRCh38, chrX:48,902,316, plus strand): 5'-AGCCATGACAAGTCGGACAGGGGCCATGACAAGTCGGACCGCAGCCATGAGAAACTAGAC[A>T]GGGGCCACGACAAGTCAGACCGGGGCCACGACAAGTCTGACAGGGATCGAGAGCGTGGCT-3'
Protein context (NP_001027554.1, residues 116-136): KSDRSHEKLD[Arg126Trp]GHDKSDRGHD